The following is an entry in ClinVar:

ClinVar aggregate classification (germline): Likely benign (1 of 4 stars; one submission).

Submission:

CeGaT Center for Human Genetics Tuebingen
Classification: Likely benign. Last evaluated: 2026-08-01. Review status: criteria provided, single submitter. Criteria: CeGaT Center For Human Genetics Tuebingen Variant Classification Criteria Version 2. Collection method: clinical testing. Allele origin: germline. Affected: yes. Observed: 1 variant allele.
Comment: MDGA2: PM2:Supporting, BP4, BP7

NM_001113498.3(MDGA2):c.1818G>A (p.Gln606=)

Gene: MDGA2 (MAM domain containing glycosylphosphatidylinositol anchor 2; minus strand). Cytogenetic location: 14q21.3.
Variant type: single nucleotide variant.
Coding change: c.1818G>A on transcript NM_001113498.3 (MANE Select); coding-DNA position 1818, G replaced by A.
Protein change: p.Gln606=; no amino-acid change (glutamine 606 retained).
Molecular consequence: synonymous variant.
Genome position (GRCh38, 1-based): chr14:47,035,012, C>T on the plus strand (G>A on the coding strand, the complement: MDGA2 is on the minus strand). VCF-style: chr14-47035012-C-T. GRCh37 (hg19) VCF-style: chr14-47504215-C-T.
Other names: c.924G>A, p.Gln308= (NM_182830.4).
Identifiers: ClinVar variation 5039820 (VCV005039820.1).